The following is an entry in ClinVar:

NM_005654.6(NR2F1):c.79G>C (p.Ala27Pro)

Genes: NR2F1 (nuclear receptor subfamily 2 group F member 1; plus strand), NR2F1-AS1 (NR2F1 regulatory antisense RNA 1; minus strand). Cytogenetic location: 5q15.
Variant type: single nucleotide variant.
Coding change: c.79G>C on transcript NM_005654.6 (MANE Select); coding-DNA position 79, G replaced by C.
Protein change: p.Ala27Pro; replaces alanine 27 with proline.
Molecular consequence: missense variant.
Genome position (GRCh38, 1-based): chr5:93,585,102, G>C. VCF-style: chr5-93585102-G-C. GRCh37 (hg19) VCF-style: chr5-92920808-G-C.
Other names: c.79G>C (NM_005654.4); short protein forms A27P.
Identifiers: ClinVar variation 2196549 (VCV002196549.4), dbSNP rs755210881, ClinGen allele CA3343105.

ClinVar aggregate classification (germline): Uncertain significance. Review status: criteria provided, multiple submitters, no conflicts (2 of 4 stars). 3 submissions from 3 submitters: Uncertain significance (3). Last evaluated 2026-05-11.

Conditions:
Inborn genetic diseases. Identifiers: MedGen C0950123, MeSH D030342.
Bosch-Boonstra-Schaaf optic atrophy syndrome (BBSOAS). Also called: NR2F1-Related Neurodevelopmental Disorder. Identifiers: Orphanet 401777, MedGen C3810363, MONDO:0014320, OMIM 615722.

Allele frequency attached by ClinVar (database versions not stated): 1000 Genomes Project 30x 0.00047; gnomAD exomes 0.00001; gnomAD 0.00002.
gnomAD v4.1: 17 of 998,694 alleles (0.0017%); highest among the groups gnomAD compares: South Asian, 0.067%; no homozygotes.

Submissions (3):

Ambry Genetics
Classification: Uncertain significance for Inborn genetic diseases. Last evaluated: 2026-05-11. Review status: criteria provided, single submitter. Criteria: Ambry Variant Classification Scheme 2023. Collection method: clinical testing. Allele origin: germline.

Labcorp Genetics (formerly Invitae), Labcorp
Classification: Uncertain significance. Last evaluated: 2023-09-27. Review status: criteria provided, single submitter. Criteria: Invitae Variant Classification Sherloc (09022015). Collection method: clinical testing. Allele origin: germline.
Comment: This sequence change replaces alanine, which is neutral and non-polar, with proline, which is neutral and non-polar, at codon 27 of the NR2F1 protein (p.Ala27Pro). In summary, the available evidence is currently insufficient to determine the role of this variant in disease. Therefore, it has been classified as a Variant of Uncertain Significance. Experimental studies and prediction algorithms are not available or were not evaluated, and the functional significance of this variant is currently unknown. ClinVar contains an entry for this variant (Variation ID: 2196549). This variant has not been reported in the literature in individuals affected with NR2F1-related conditions. The frequency data for this variant in the population databases is considered unreliable, as metrics indicate insufficient coverage at this position in the gnomAD database.

Neuberg Centre For Genomic Medicine, NCGM
Classification: Uncertain significance for Bosch-Boonstra-Schaaf optic atrophy syndrome. Last evaluated: 2023-06-22. Review status: criteria provided, single submitter. Criteria: ACMG Guidelines, 2015. Collection method: clinical testing. Allele origin: germline. Inheritance: Autosomal dominant inheritance. Affected: yes.
Comment: The observed missense variant c.79G>C(p.Ala27Pro) in the NR2F1 gene has not been reported previously as a pathogenic variant nor as a benign variant, to our knowledge. This variant is absnet in the gnomAD Exomes however this variant is covered in fewer than 50% of individuals in gnomAD v2.1.1 exomes. Allele frequency estimates may not be reliable. This variant has been reported to the ClinVar database as Uncertain Significance. However, no details are available for independent assessment. The amino acid Ala at position 27 is changed to a Pro changing protein sequence and it might alter its composition and physico- chemical properties. Multiple lines of computational evidence (Polyphen - Probably damaging and MutationTaster - Disease causing) predict a damaging effect on protein structure and function for this variant. The residue is conserved by GERP++ and PhyloP across 100 vertebrates. For these reasons, this variant has been classified as Uncertain Significance.